The following is an entry in ClinVar:

ClinVar aggregate classification (germline): Uncertain significance (1 of 4 stars; one submission).

Conditions:
Alpha thalassemia-X-linked intellectual disability syndrome (ATRX). Also called: ALPHA-THALASSEMIA/MENTAL RETARDATION SYNDROME, X-LINKED; ATR, NONDELETION TYPE; ATR-X syndrome; Alpha thalassemia mental retardation syndrome, nondeletion type, X-linked; XLMR hypotonic face syndrome; X-linked alpha-thalassemia-mental retardation syndrome. Identifiers: Orphanet 847, MedGen C1845055, MONDO:0010519, OMIM 301040.

gnomAD v4.1: 31 of 1,210,775 alleles (0.0026%); highest among the groups gnomAD compares: Non-Finnish European, 0.0034%; no homozygotes.

Submission:

Labcorp Genetics (formerly Invitae), Labcorp
Classification: Uncertain significance for Alpha thalassemia-X-linked intellectual disability syndrome. Last evaluated: 2024-07-21. Review status: criteria provided, single submitter. Criteria: Invitae Variant Classification Sherloc (09022015). Collection method: clinical testing. Allele origin: germline.
Comment: This sequence change replaces asparagine, which is neutral and polar, with threonine, which is neutral and polar, at codon 1860 of the ATRX protein (p.Asn1860Thr). This variant is not present in population databases (gnomAD no frequency). This variant has not been reported in the literature in individuals affected with ATRX-related conditions. Advanced modeling of protein sequence and biophysical properties (such as structural, functional, and spatial information, amino acid conservation, physicochemical variation, residue mobility, and thermodynamic stability) performed at Invitae indicates that this missense variant is not expected to disrupt ATRX protein function with a negative predictive value of 95%. In summary, the available evidence is currently insufficient to determine the role of this variant in disease. Therefore, it has been classified as a Variant of Uncertain Significance.

NM_000489.6(ATRX):c.5579A>C (p.Asn1860Thr)

Gene: ATRX (ATRX chromatin remodeler; minus strand). Cytogenetic location: Xq21.1.
Variant type: single nucleotide variant.
Coding change: c.5579A>C on transcript NM_000489.6 (MANE Select); coding-DNA position 5579, A replaced by C.
Protein change: p.Asn1860Thr; replaces asparagine 1860 with threonine.
Molecular consequence: missense variant.
Genome position (GRCh38, 1-based): chrX:77,600,552, T>G on the plus strand (A>C on the coding strand, the complement: ATRX is on the minus strand). VCF-style: chrX-77600552-T-G. GRCh37 (hg19) VCF-style: chrX-76856021-T-G.
Other names: c.5465A>C, p.Asn1822Thr (NM_138270.5); short protein forms N1860T, N1822T.
Identifiers: ClinVar variation 2699793 (VCV002699793.3), dbSNP rs45439799, ClinGen allele CA331564804.
Genomic context (GRCh38, chrX:77,600,552, plus strand): 5'-CTTAACATCTGAAAATCTTGGAAAAGCTTTGCACCTGCCTTTCCTCTTCCACCTTCACTA[T>G]TATTGCCCACACCTGATCAAAAGAAATATGGTTAAAGACACAAAAATTGTCTATATCAAC-3'
Protein context (NP_000480.3, residues 1850-1870): YLDHLTGVGN[Asn1860Thr]SEGGRGKAGA